The following is an entry in ClinVar:

NM_005263.5(GFI1):c.398G>A (p.Arg133Gln)

Gene: GFI1 (growth factor independent 1 transcriptional repressor; minus strand). Cytogenetic location: 1p22.1.
Variant type: single nucleotide variant.
Coding change: c.398G>A on transcript NM_005263.5 (MANE Select); coding-DNA position 398, G replaced by A.
Protein change: p.Arg133Gln; replaces arginine 133 with glutamine.
Molecular consequence: missense variant.
Genome position (GRCh38, 1-based): chr1:92,480,989, C>T on the plus strand (G>A on the coding strand, the complement: GFI1 is on the minus strand). VCF-style: chr1-92480989-C-T. GRCh37 (hg19) VCF-style: chr1-92946546-C-T.
Other names: c.398G>A, p.Arg133Gln (NM_001127215.3, NM_001127216.3); short protein forms R133Q.
Identifiers: ClinVar variation 4858033 (VCV004858033.1).

ClinVar aggregate classification (germline): Uncertain significance (1 of 4 stars; one submission).

gnomAD v4.1: 4 of 1,607,500 alleles (0.00025%); highest among the groups gnomAD compares: African/African-American, 0.0027%; no homozygotes.

Submission:

Ambry Genetics
Classification: Uncertain significance. Last evaluated: 2026-04-11. Review status: criteria provided, single submitter. Criteria: Ambry Variant Classification Scheme 2023. Collection method: clinical testing. Allele origin: germline.
Comment: The p.R133Q variant (also known as c.398G>A), located in coding exon 3 of the GFI1 gene, results from a G to A substitution at nucleotide position 398. The arginine at codon 133 is replaced by glutamine, an amino acid with highly similar properties. This amino acid position is conserved. In addition, this alteration is predicted to be tolerated by in silico analysis. Based on the available evidence, the clinical significance of this variant remains unclear.